The following is an entry in ClinVar:

NM_000116.5(TAFAZZIN):c.314C>T (p.Thr105Ile)

Gene: TAFAZZIN (tafazzin, phospholipid-lysophospholipid transacylase; plus strand). Cytogenetic location: Xq28.
Variant type: single nucleotide variant.
Coding change: c.314C>T on transcript NM_000116.5 (MANE Select); coding-DNA position 314, C replaced by T.
Protein change: p.Thr105Ile; replaces threonine 105 with isoleucine.
Molecular consequence: missense variant. On other transcripts: non-coding transcript variant (1).
Genome position (GRCh38, 1-based): chrX:154,413,511, C>T. VCF-style: chrX-154413511-C-T. GRCh37 (hg19) VCF-style: chrX-153641848-C-T.
Other names: c.368C>T, p.Thr123Ile (NM_001303465.2, NM_001410698.1); c.314C>T, p.Thr105Ile (NM_181311.4, NM_181312.4, NM_181313.4); c.314C>T (NM_000116.3); short protein forms T105I, T123I.
Identifiers: ClinVar variation 3014380 (VCV003014380.4), dbSNP rs2522942187, ClinGen allele CA415181131.

ClinVar aggregate classification (germline): Uncertain significance. Review status: criteria provided, multiple submitters, no conflicts (2 of 4 stars). 2 submissions from 2 submitters: Uncertain significance (2). Last evaluated 2024-09-05.

Conditions:
3-Methylglutaconic aciduria type 2 (BTHS). Also called: Barth syndrome; CARDIOSKELETAL MYOPATHY WITH NEUTROPENIA AND ABNORMAL MITOCHONDRIA. Identifiers: Orphanet 111, MedGen C0574083, MONDO:0010543, OMIM 302060.

Submissions (2):

GeneDx
Classification: Uncertain significance. Last evaluated: 2024-09-05. Review status: criteria provided, single submitter. Criteria: GeneDx Variant Classification Process June 2021. Collection method: clinical testing. Allele origin: germline. Affected: yes.
Comment: Not observed at significant frequency in large population cohorts (gnomAD); In silico analysis supports that this missense variant has a deleterious effect on protein structure/function; Has not been previously published as pathogenic or benign to our knowledge

Labcorp Genetics (formerly Invitae), Labcorp
Classification: Uncertain significance for 3-Methylglutaconic aciduria type 2. Last evaluated: 2023-09-08. Review status: criteria provided, single submitter. Criteria: Invitae Variant Classification Sherloc (09022015). Collection method: clinical testing. Allele origin: germline.
Comment: In summary, the available evidence is currently insufficient to determine the role of this variant in disease. Therefore, it has been classified as a Variant of Uncertain Significance. An algorithm developed to predict the effect of missense changes on protein structure and function (PolyPhen-2) suggests that this variant is likely to be disruptive. This variant has not been reported in the literature in individuals affected with TAZ-related conditions. This variant is not present in population databases (gnomAD no frequency). This sequence change replaces threonine, which is neutral and polar, with isoleucine, which is neutral and non-polar, at codon 105 of the TAZ protein (p.Thr105Ile).